The following is an entry in ClinVar:

ClinVar aggregate classification (germline): Likely benign. Review status: criteria provided, multiple submitters, no conflicts (2 of 4 stars). 4 submissions from 4 submitters: Likely benign (4). Last evaluated 2025-12-01.

Conditions:
Cardiovascular phenotype. Identifiers: MedGen CN230736.
Arrhythmogenic right ventricular cardiomyopathy (ARVD). Also called: Arrhythmogenic cardiomyopathy; Arrhythmogenic Right Ventricular Cardiomyopathy (ARVC); Cardiomyopathy, ARVC; Arrhythmogenic right ventricular dysplasia. Identifiers: Orphanet 247, MedGen C0349788, MeSH D019571, MONDO:0016587. Disease mechanism: loss of function. Inheritance: Various modes of inheritance.
Cardiomyopathy (CMYO). Also called: Cardiomyopathies. Identifiers: Orphanet 167848, MedGen C0878544, MONDO:0004994, HP:0001638. Inheritance: Various modes of inheritance.
Arrhythmogenic right ventricular dysplasia 10. Also called: Arrhythmogenic right ventricular dysplasia/cardiomyopathy, type 10; Arrhythmogenic Right Ventricular Dysplasia/Cardiomyopathy10; ARRHYTHMOGENIC RIGHT VENTRICULAR DYSPLASIA, FAMILIAL, 10. Identifiers: MedGen C1857777, MONDO:0012434, OMIM 610193.

Allele frequency attached by ClinVar (database versions not stated): gnomAD exomes below 0.00001 and 0.00001; gnomAD 0.00001; TOPMed 0.00001.
gnomAD v4.1: 9 of 1,614,010 alleles (0.00056%); highest among the groups gnomAD compares: Admixed American, 0.0033%; no homozygotes.

Submissions (4):

Labcorp Genetics (formerly Invitae), Labcorp
Classification: Likely benign for Arrhythmogenic right ventricular dysplasia 10. Last evaluated: 2025-12-01. Review status: criteria provided, single submitter. Criteria: Invitae Variant Classification Sherloc (09022015). Collection method: clinical testing. Allele origin: germline.

All of Us Research Program, National Institutes of Health
Classification: Likely benign for Arrhythmogenic right ventricular cardiomyopathy. Last evaluated: 2024-03-24. Review status: criteria provided, single submitter. Criteria: ACMG Guidelines, 2015. Collection method: clinical testing. Allele origin: germline. Inheritance: Autosomal dominant inheritance. Observed: 2 variant alleles, 2 heterozygotes.
Comment: This study involves interpretation of variants in research participants for the purpose of population health screening. Participant phenotype was not available at the time of variant classification. Additional details can be found in publication PMID: 35346344, PMCID: PMC8962531

Ambry Genetics
Classification: Likely benign for Cardiovascular phenotype. Last evaluated: 2022-12-01. Review status: criteria provided, single submitter. Criteria: Ambry Variant Classification Scheme 2023. Collection method: clinical testing. Allele origin: germline.

Color Diagnostics, LLC DBA Color Health
Classification: Likely benign for Cardiomyopathy. Last evaluated: 2019-12-03. Review status: criteria provided, single submitter. Criteria: ACMG Guidelines, 2015. Collection method: clinical testing. Allele origin: germline.

NM_001943.5(DSG2):c.159C>T (p.Thr53=)

Gene: DSG2 (desmoglein 2; plus strand). Cytogenetic location: 18q12.1.
Variant type: single nucleotide variant.
Coding change: c.159C>T on transcript NM_001943.5 (MANE Select); coding-DNA position 159, C replaced by T.
Protein change: p.Thr53=; no amino-acid change (threonine 53 retained).
Molecular consequence: synonymous variant.
Genome position (GRCh38, 1-based): chr18:31,519,880, C>T. VCF-style: chr18-31519880-C-T. GRCh37 (hg19) VCF-style: chr18-29099843-C-T.
Other names: c.159C>T (LRG_397t1).
Identifiers: ClinVar variation 534684 (VCV000534684.15), dbSNP rs959566645, ClinGen allele CA297728503.
Genomic context (GRCh38, chr18:31,519,880, plus strand): 5'-TGAAAATAAGCTGCTTCCTAAACATCCTCATTTAGTGCGGCAAAAGCGCGCCTGGATCAC[C>T]GCCCCCGTGGCTCTTCGGGAGGGAGAGGATCTGTCCAAGAAGAATCCAATTGCCAAGGTA-3'
Protein context (NP_001934.2, residues 43-63): HLVRQKRAWI[Thr53=]APVALREGED